The following is an entry in ClinVar:

NM_006087.4(TUBB4A):c.925C>A (p.Arg309Ser)

Gene: TUBB4A (tubulin beta 4A class IVa; minus strand). Cytogenetic location: 19p13.3.
Variant type: single nucleotide variant.
Coding change: c.925C>A on transcript NM_006087.4 (MANE Select); coding-DNA position 925, C replaced by A.
Protein change: p.Arg309Ser; replaces arginine 309 with serine.
Molecular consequence: missense variant.
Genome position (GRCh38, 1-based): chr19:6,495,574, G>T on the plus strand (C>A on the coding strand, the complement: TUBB4A is on the minus strand). VCF-style: chr19-6495574-G-T. GRCh37 (hg19) VCF-style: chr19-6495585-G-T.
Other names: c.1078C>A, p.Arg360Ser (NM_001289123.2); c.1060C>A, p.Arg354Ser (NM_001289127.2); c.925C>A, p.Arg309Ser (NM_001289129.2); c.709C>A, p.Arg237Ser (NM_001289130.2, NM_001289131.2); short protein forms R237S, R360S, R309S, R354S.
Identifiers: ClinVar variation 3665717 (VCV003665717.2).

ClinVar aggregate classification (germline): Uncertain significance (1 of 4 stars; one submission).

Conditions:
Leukodystrophy, hypomyelinating, 6. Also called: LEUKODYSTROPHY, HYPOMYELINATING, WITH ATROPHY OF THE BASAL GANGLIA AND CEREBELLUM; TUBB4A-Associated Leukodystrophy; Hypomyelination with Atrophy of Basal Ganglia and Cerebellum (H-ABC). Identifiers: Orphanet 139441, MedGen C2676244, MONDO:0012905, OMIM 612438.

Submission:

Labcorp Genetics (formerly Invitae), Labcorp
Classification: Uncertain significance for Leukodystrophy, hypomyelinating, 6. Last evaluated: 2024-12-15. Review status: criteria provided, single submitter. Criteria: Invitae Variant Classification Sherloc (09022015). Collection method: clinical testing. Allele origin: germline.
Comment: This sequence change replaces arginine, which is basic and polar, with serine, which is neutral and polar, at codon 309 of the TUBB4A protein (p.Arg309Ser). This variant is not present in population databases (gnomAD no frequency). This variant has not been reported in the literature in individuals affected with TUBB4A-related conditions. Invitae Evidence Modeling of protein sequence and biophysical properties (such as structural, functional, and spatial information, amino acid conservation, physicochemical variation, residue mobility, and thermodynamic stability) indicates that this missense variant is expected to disrupt TUBB4A protein function with a positive predictive value of 80%. In summary, the available evidence is currently insufficient to determine the role of this variant in disease. Therefore, it has been classified as a Variant of Uncertain Significance.